The following is an entry in ClinVar:

ClinVar aggregate classification (germline): Uncertain significance (1 of 4 stars; one submission).

Submission:

Women's Health and Genetics/Laboratory Corporation of America, LabCorp
Classification: Uncertain significance. Last evaluated: 2026-01-20. Review status: criteria provided, single submitter. Criteria: LabCorp Variant Classification Summary - May 2015. Collection method: clinical testing. Allele origin: germline.
Comment: Variant summary: RELN c.4072A>G (p.Thr1358Ala) results in a non-conservative amino acid change in the encoded protein sequence. Algorithms developed to predict the effect of missense changes on protein structure and function are either unavailable or do not agree on the potential impact of this missense change. The variant was absent in 251086 control chromosomes. The available data on variant occurrences in the general population are insufficient to allow any conclusion about variant significance. To our knowledge, no occurrence of c.4072A>G in individuals affected with RELN-related conditions and no experimental evidence demonstrating its impact on protein function have been reported. No submitters have cited clinical-significance assessments for this variant to ClinVar. Based on the evidence outlined above, the variant was classified as uncertain significance.

NM_005045.4(RELN):c.4072A>G (p.Thr1358Ala)

Gene: RELN (reelin; minus strand). Cytogenetic location: 7q22.1.
Variant type: single nucleotide variant.
Coding change: c.4072A>G on transcript NM_005045.4 (MANE Select); coding-DNA position 4072, A replaced by G.
Protein change: p.Thr1358Ala; replaces threonine 1358 with alanine.
Molecular consequence: missense variant.
Genome position (GRCh38, 1-based): chr7:103,589,669, T>C on the plus strand (A>G on the coding strand, the complement: RELN is on the minus strand). VCF-style: chr7-103589669-T-C. GRCh37 (hg19) VCF-style: chr7-103230116-T-C.
Other names: c.4072A>G, p.Thr1358Ala (NM_173054.3); short protein forms T1358A.
Identifiers: ClinVar variation 4689232 (VCV004689232.1).